The following is an entry in ClinVar:

NM_017875.4(SLC25A38):c.559C>T (p.Arg187Ter)

Gene: SLC25A38 (solute carrier family 25 member 38; plus strand). Cytogenetic location: 3p22.1.
Variant type: single nucleotide variant.
Coding change: c.559C>T on transcript NM_017875.4 (MANE Select); coding-DNA position 559, C replaced by T.
Protein change: p.Arg187Ter; replaces arginine 187 with a stop codon.
Molecular consequence: nonsense.
Genome position (GRCh38, 1-based): chr3:39,391,955, C>T. VCF-style: chr3-39391955-C-T. GRCh37 (hg19) VCF-style: chr3-39433446-C-T.
Other names: c.559C>T, p.Arg187Ter (NM_001354798.2); short protein forms R187*.
Identifiers: ClinVar variation 3069157 (VCV003069157.1), dbSNP rs1180926625, ClinGen allele CA352203583.

ClinVar aggregate classification (germline): Pathogenic (1 of 4 stars; one submission).

Conditions:
Sideroblastic anemia 2. Also called: Anemia, sideroblastic, 2, pyridoxine-refractory. Identifiers: Orphanet 260305, MedGen C4225425, MONDO:0008785, OMIM 205950.

Allele frequency attached by ClinVar (database versions not stated): gnomAD exomes 0.00001.
gnomAD v4.1: 20 of 1,614,074 alleles (0.0012%); highest among the groups gnomAD compares: South Asian, 0.0033%; no homozygotes.

Submission:

Illumina Laboratory Services, Illumina
Classification: Pathogenic for Sideroblastic anemia 2. Last evaluated: 2022-07-19. Review status: criteria provided, single submitter. Criteria: ICSLVariantClassificationCriteria RUGD 01 April 2020. Collection method: clinical testing. Allele origin: unknown.
Comment: The SLC25A38 c.559C>T p.(Arg187Ter) nonsense variant is expected to result in the loss of normal protein function through either protein truncation or nonsense-mediated mRNA decay. To our knowledge, this variant has not been reported in the peer-reviewed literature. This variant is reported in the Genome Aggregation Database in three alleles at a frequency of 0.000195 in the European (non-Finnish) population (version 2.1.1). Based on the available evidence, the c.559C>T p.(Arg187Ter) variant is classified as pathogenic for congenital sideroblastic anemia.